The following is an entry in ClinVar:

NM_001171.6(ABCC6):c.1565T>C (p.Leu522Pro)

Gene: ABCC6 (ATP binding cassette subfamily C member 6; minus strand). Cytogenetic location: 16p13.11.
Variant type: single nucleotide variant.
Coding change: c.1565T>C on transcript NM_001171.6 (MANE Select); coding-DNA position 1565, T replaced by C.
Protein change: p.Leu522Pro; replaces leucine 522 with proline.
Molecular consequence: missense variant. On other transcripts: non-coding transcript variant (1).
Genome position (GRCh38, 1-based): chr16:16,190,234, A>G on the plus strand (T>C on the coding strand, the complement: ABCC6 is on the minus strand). VCF-style: chr16-16190234-A-G. GRCh37 (hg19) VCF-style: chr16-16284091-A-G.
Other names: c.1223T>C, p.Leu408Pro (NM_001351800.1); short protein forms L522P, L408P.
Identifiers: ClinVar variation 433483 (VCV000433483.6), dbSNP rs1555514895, ClinGen allele CA394889655.
Genomic context (GRCh38, chr16:16,190,234, plus strand): 5'-GACACTTGGAAGGACACCAGCGACACAGAGAAGAGGAGGCCGGAGGTCCGCAAGGCGCCC[A>G]GCTCCTGGCCTCGGATGCCCAGGACTCTGTCCAGAAAGGCTCCCTCCCAGCCATGGAACT-3'
Protein context (NP_001162.5, residues 512-532): DRVLGIRGQE[Leu522Pro]GALRTSGLLF

ClinVar aggregate classification (germline): Uncertain significance. Review status: criteria provided, multiple submitters, no conflicts (2 of 4 stars). 3 submissions from 3 submitters: Uncertain significance (2). 1 of the submissions does not count toward it. Last evaluated 2025-08-01.

Conditions:
Autosomal recessive inherited pseudoxanthoma elasticum (PXE). Identifiers: Orphanet 758, MedGen CN032334, MONDO:0009925, OMIM 264800.
Pseudoxanthoma elasticum, forme fruste. Also called: PSEUDOXANTHOMA ELASTICUM, HETEROZYGOUS; Pseudoxanthoma Elasticum, Incomplete. Identifiers: Orphanet 758, MedGen C1867450, MONDO:0008333, OMIM 177850.
Arterial calcification, generalized, of infancy, 2. Identifiers: Orphanet 51608, MedGen C3276161, MONDO:0013768, OMIM 614473.

Allele frequency attached by ClinVar (database versions not stated): gnomAD exomes below 0.00001.
gnomAD v4.1: 1 of 1,614,114 alleles (0.000062%); highest among the groups gnomAD compares: Non-Finnish European, 0.000085%; no homozygotes.

Submissions (3):

Dasa
Classification: Uncertain significance. Last evaluated: 2025-08-01. Review status: criteria provided, single submitter. Criteria: DASA Assertion Criteria. Collection method: clinical testing. Allele origin: germline.
Comment: NM_001171.6(ABCC6):c.1565T>C (p.Leu522Pro) is a missense variant that results in the substitution of leucine with proline. This variant is rare in population databases. Computational prediction algorithms are consistent with a deleterious effect. The currently available literature and clinical evidence are not sufficient to establish a definitive association between this variant and the reported condition. Therefore, this variant is classified as a variant of uncertain significance.

Fulgent Genetics
Classification: Uncertain significance for Pseudoxanthoma elasticum, forme fruste; Autosomal recessive inherited pseudoxanthoma elasticum; Arterial calcification, generalized, of infancy, 2. Last evaluated: 2021-09-30. Review status: criteria provided, single submitter. Criteria: ACMG Guidelines, 2015. Collection method: clinical testing. Allele origin: unknown.

PXE International
Classification: Uncertain significance for Autosomal recessive inherited pseudoxanthoma elasticum. Last evaluated: 2021-02-16. Review status: no assertion criteria provided. Collection method: research. Allele origin: germline. Inheritance: Autosomal recessive inheritance. Affected: yes. Observed: 1 variant allele. Not counted in ClinVar's aggregate classification.

Literature cited by the submitters: PubMed 32873932 (cited by PXE International).